The following is an entry in ClinVar:

ClinVar aggregate classification (germline): Uncertain significance. Review status: criteria provided, multiple submitters, no conflicts (2 of 4 stars). 2 submissions from 2 submitters: Uncertain significance (2). Last evaluated 2025-06-11.

Allele frequency attached by ClinVar (database versions not stated): gnomAD 0.00001 and 0.00005; gnomAD exomes 0.00004 and 0.00007; TOPMed 0.00004; ExAC 0.00006; ESP Exome Variant Server 0.00008; 1000 Genomes Project 30x 0.00016; 1000 Genomes Project 0.00020.
gnomAD v4.1: 104 of 1,614,038 alleles (0.0064%); highest among the groups gnomAD compares: South Asian, 0.052%; no homozygotes.

Submissions (2):

Mayo Clinic Laboratories, Mayo Clinic
Classification: Uncertain significance. Last evaluated: 2025-06-11. Review status: criteria provided, single submitter. Criteria: ACMG Guidelines, 2015. Collection method: clinical testing. Allele origin: germline. Observed: 1 variant allele.

Labcorp Genetics (formerly Invitae), Labcorp
Classification: Uncertain significance. Last evaluated: 2024-10-18. Review status: criteria provided, single submitter. Criteria: Invitae Variant Classification Sherloc (09022015). Collection method: clinical testing. Allele origin: germline.
Comment: This sequence change replaces asparagine, which is neutral and polar, with serine, which is neutral and polar, at codon 1821 of the MCM3AP protein (p.Asn1821Ser). This variant is present in population databases (rs371046450, gnomAD 0.03%). This variant has not been reported in the literature in individuals affected with MCM3AP-related conditions. ClinVar contains an entry for this variant (Variation ID: 1377124). An algorithm developed to predict the effect of missense changes on protein structure and function (PolyPhen-2) suggests that this variant is likely to be tolerated. Algorithms developed to predict the effect of sequence changes on RNA splicing suggest that this variant may disrupt the consensus splice site. In summary, the available evidence is currently insufficient to determine the role of this variant in disease. Therefore, it has been classified as a Variant of Uncertain Significance.

NM_003906.5(MCM3AP):c.5462A>G (p.Asn1821Ser)

Genes: MCM3AP (minichromosome maintenance complex component 3 associated protein; minus strand), MCM3AP-AS1 (MCM3AP antisense RNA 1; plus strand). Cytogenetic location: 21q22.3.
Variant type: single nucleotide variant.
Coding change: c.5462A>G on transcript NM_003906.5 (MANE Select); coding-DNA position 5462, A replaced by G.
Protein change: p.Asn1821Ser; replaces asparagine 1821 with serine.
Molecular consequence: missense variant. On other transcripts: non-coding transcript variant (4).
Genome position (GRCh38, 1-based): chr21:46,240,982, T>C on the plus strand (A>G on the coding strand, the complement: MCM3AP is on the minus strand). VCF-style: chr21-46240982-T-C. GRCh37 (hg19) VCF-style: chr21-47660896-T-C.
Other names: p.Asn1821Ser; short protein forms N1821S.
Identifiers: ClinVar variation 1377124 (VCV001377124.7), dbSNP rs371046450, ClinGen allele CA10075841.